The following is an entry in ClinVar:

NM_001197104.2(KMT2A):c.10275G>A (p.Ala3425=)

Gene: KMT2A (lysine methyltransferase 2A; plus strand). Cytogenetic location: 11q23.3.
Variant type: single nucleotide variant.
Coding change: c.10275G>A on transcript NM_001197104.2 (MANE Select); coding-DNA position 10275, G replaced by A.
Protein change: p.Ala3425=; no amino-acid change (alanine 3425 retained).
Molecular consequence: synonymous variant.
Genome position (GRCh38, 1-based): chr11:118,506,167, G>A. VCF-style: chr11-118506167-G-A. GRCh37 (hg19) VCF-style: chr11-118376882-G-A.
Other names: c.10365G>A, p.Ala3455= (NM_001412597.1); c.10266G>A, p.Ala3422= (NM_005933.4).
Identifiers: ClinVar variation 1908042 (VCV001908042.15), dbSNP rs782505642, ClinGen allele CA6304715.
Genomic context (GRCh38, chr11:118,506,167, plus strand): 5'-TTCAGGAATGTTTCCACAACTGGGGACATCACAGACCCCCTCTACTGCTGCAATAACAGC[G>A]GCATCTAGCATCTGTGTGCTCCCCTCCACTCAGACTACGGGCATAACAGCCGCTTCACCT-3'
Protein context (NP_001184033.1, residues 3415-3435): SQTPSTAAIT[Ala3425=]ASSICVLPST

ClinVar aggregate classification (germline): Likely benign. Review status: criteria provided, multiple submitters, no conflicts (2 of 4 stars). 2 submissions from 2 submitters: Likely benign (2). Last evaluated 2025-08-11.

Allele frequency attached by ClinVar (database versions not stated): gnomAD 0.00003; TOPMed 0.00003; gnomAD exomes 0.00008; ExAC 0.00010.

Submissions (2):

Labcorp Genetics (formerly Invitae), Labcorp
Classification: Likely benign. Last evaluated: 2025-08-11. Review status: criteria provided, single submitter. Criteria: Invitae Variant Classification Sherloc (09022015). Collection method: clinical testing. Allele origin: germline.

CeGaT Center for Human Genetics Tuebingen
Classification: Likely benign. Last evaluated: 2025-05-01. Review status: criteria provided, single submitter. Criteria: CeGaT Center For Human Genetics Tuebingen Variant Classification Criteria Version 2. Collection method: clinical testing. Allele origin: germline. Affected: yes. Observed: 1 variant allele.
Comment: KMT2A: BP4, BP7